The following is an entry in ClinVar:

NM_012154.5(AGO2):c.1494G>A (p.Ala498=)

Gene: AGO2 (argonaute RISC catalytic component 2; minus strand). Cytogenetic location: 8q24.3.
Variant type: single nucleotide variant.
Coding change: c.1494G>A on transcript NM_012154.5 (MANE Select); coding-DNA position 1494, G replaced by A.
Protein change: p.Ala498=; no amino-acid change (alanine 498 retained).
Molecular consequence: synonymous variant.
Genome position (GRCh38, 1-based): chr8:140,549,208, C>T on the plus strand (G>A on the coding strand, the complement: AGO2 is on the minus strand). VCF-style: chr8-140549208-C-T. GRCh37 (hg19) VCF-style: chr8-141559307-C-T.
Other names: c.1494G>A, p.Ala498= (NM_001164623.3).
Identifiers: ClinVar variation 4821427 (VCV004821427.4).

ClinVar aggregate classification (germline): Likely benign (1 of 4 stars; one submission).

gnomAD v4.1: 202 of 1,613,698 alleles (0.013%); highest among the groups gnomAD compares: East Asian, 0.33%; 1 homozygote.

Submission:

CeGaT Center for Human Genetics Tuebingen
Classification: Likely benign. Last evaluated: 2026-03-01. Review status: criteria provided, single submitter. Criteria: CeGaT Center For Human Genetics Tuebingen Variant Classification Criteria Version 2. Collection method: clinical testing. Allele origin: germline. Affected: yes. Observed: 1 variant allele.
Comment: AGO2: BP4, BP7